The following is an entry in ClinVar:

NM_000040.3(APOC3):c.55+3A>G

Gene: APOC3 (apolipoprotein C3; plus strand). Cytogenetic location: 11q23.3.
Variant type: single nucleotide variant.
Coding change: c.55+3A>G on transcript NM_000040.3 (MANE Select); 3 bases into the intron after coding-DNA position 55, A replaced by G.
Molecular consequence: intron variant.
Genome position (GRCh38, 1-based): chr11:116,830,640, A>G. VCF-style: chr11-116830640-A-G. GRCh37 (hg19) VCF-style: chr11-116701356-A-G.
Identifiers: ClinVar variation 3686343 (VCV003686343.2).

ClinVar aggregate classification (germline): Uncertain significance (1 of 4 stars; one submission).

Submission:

Labcorp Genetics (formerly Invitae), Labcorp
Classification: Uncertain significance. Last evaluated: 2024-11-05. Review status: criteria provided, single submitter. Criteria: Invitae Variant Classification Sherloc (09022015). Collection method: clinical testing. Allele origin: germline.
Comment: This sequence change falls in intron 2 of the APOC3 gene. It does not directly change the encoded amino acid sequence of the APOC3 protein. It affects a nucleotide within the consensus splice site. This variant is not present in population databases (gnomAD no frequency). This variant has not been reported in the literature in individuals affected with APOC3-related conditions. Variants that disrupt the consensus splice site are a relatively common cause of aberrant splicing (PMID: 17576681, 9536098). Algorithms developed to predict the effect of sequence changes on RNA splicing suggest that this variant may disrupt the consensus splice site. In summary, the available evidence is currently insufficient to determine the role of this variant in disease. Therefore, it has been classified as a Variant of Uncertain Significance.

Literature cited by the submitters: PubMed 17576681; PubMed 9536098.